The following is an entry in ClinVar:

NM_080605.4(B3GALT6):c.447C>G (p.Phe149Leu)

Gene: B3GALT6 (beta-1,3-galactosyltransferase 6; plus strand). Cytogenetic location: 1p36.33.
Variant type: single nucleotide variant.
Coding change: c.447C>G on transcript NM_080605.4 (MANE Select); coding-DNA position 447, C replaced by G.
Protein change: p.Phe149Leu; replaces phenylalanine 149 with leucine.
Molecular consequence: missense variant.
Genome position (GRCh38, 1-based): chr1:1,232,725, C>G. VCF-style: chr1-1232725-C-G. GRCh37 (hg19) VCF-style: chr1-1168105-C-G.
Other names: c.447C>G (NM_080605.3); short protein forms F149L.
Identifiers: ClinVar variation 986387 (VCV000986387.11), dbSNP rs1638552845, ClinGen allele CA337825617.

ClinVar aggregate classification (germline): Conflicting classifications of pathogenicity. Review status: criteria provided, conflicting classifications (1 of 4 stars). 4 submissions from 4 submitters: Likely pathogenic (1); Uncertain significance (3). Last evaluated 2026-10-20.

Conditions:
Ehlers-Danlos syndrome, spondylodysplastic type, 2 (EDSSPD2). Also called: Ehlers-Danlos syndrome, progeroid type, 2. Identifiers: Orphanet 536467, Orphanet 75496, MedGen C3809210, MONDO:0014139, OMIM 615349.
Spondyloepimetaphyseal dysplasia with joint laxity (SEMDJL). Identifiers: MedGen C0432243, MONDO:0019675.
B3GALT6-related disorder. Also called: B3GALT6-related condition.
Spondyloepimetaphyseal dysplasia with joint laxity, type 1, with or without fractures (SEMDJL1). Also called: SPONDYLOEPIMETAPHYSEAL DYSPLASIA WITH JOINT LAXITY, TYPE 1. Identifiers: Orphanet 642099, Orphanet 93359, MedGen C4017377, MONDO:0010075, OMIM 271640.

Allele frequency attached by ClinVar (database versions not stated): TOPMed 0.00002.

Submissions (4):

GeneDx
Classification: Likely pathogenic. Last evaluated: 2026-10-20. Review status: criteria provided, single submitter. Criteria: GeneDx Variant Classification Process June 2021. Collection method: clinical testing. Allele origin: germline.
Comment: Not observed at significant frequency in large population cohorts (gnomAD); In silico analysis supports that this missense variant has a deleterious effect on protein structure/function; Has not been previously published as pathogenic or benign to our knowledge

PreventionGenetics, part of Exact Sciences
Classification: Uncertain significance for B3GALT6-related condition. Last evaluated: 2026-07-21. Review status: criteria provided, single submitter. Criteria: ACMG Guidelines, 2015. Collection method: clinical testing. Allele origin: germline.
Comment: The B3GALT6 c.447C>G variant is predicted to result in the amino acid substitution p.Phe149Leu. To our knowledge, this variant has not been reported in the literature or in a large population database (gnomAD), indicating this variant is rare. At this time, the clinical significance of this variant is uncertain due to the absence of conclusive functional and genetic evidence.

Labcorp Genetics (formerly Invitae), Labcorp
Classification: Uncertain significance for Ehlers-Danlos syndrome, spondylodysplastic type, 2; Spondyloepimetaphyseal dysplasia with joint laxity. Last evaluated: 2022-08-19. Review status: criteria provided, single submitter. Criteria: Invitae Variant Classification Sherloc (09022015). Collection method: clinical testing. Allele origin: germline.
Comment: This variant is not present in population databases (gnomAD no frequency). In summary, the available evidence is currently insufficient to determine the role of this variant in disease. Therefore, it has been classified as a Variant of Uncertain Significance. Algorithms developed to predict the effect of missense changes on protein structure and function are either unavailable or do not agree on the potential impact of this missense change (SIFT: "Deleterious"; PolyPhen-2: "Possibly Damaging"; Align-GVGD: "Class C0"). ClinVar contains an entry for this variant (Variation ID: 986387). This variant has not been reported in the literature in individuals affected with B3GALT6-related conditions. This sequence change replaces phenylalanine, which is neutral and non-polar, with leucine, which is neutral and non-polar, at codon 149 of the B3GALT6 protein (p.Phe149Leu).

Broad Center for Mendelian Genomics, Broad Institute of MIT and Harvard
Classification: Uncertain significance for Spondyloepimetaphyseal dysplasia with joint laxity, type 1, with or without fractures. Last evaluated: 2020-11-16. Review status: criteria provided, single submitter. Criteria: ACMG Guidelines, 2015. Collection method: curation. Allele origin: germline. Inheritance: Autosomal recessive inheritance.
Comment: The heterozygous p.Phe149Leu variant in B3GALT6 was identified by our study in the compound heterozygous state, along with another variant of unknown significance, and in 2 siblings with spondyloepimetaphyseal dysplasia with joint laxity, type 1. The variant has not been previously reported in individuals with spondyloepimetaphyseal dysplasia with joint laxity, type 1 and was absent from large population studies. Computational prediction tools, including splice predictors, and conservation analyses suggest that this variant may not impact the protein, though this information is not predictive enough to rule out pathogenicity. In summary, the clinical significance of the variant is uncertain. ACMG/AMP Criteria applied: PM2, BP4 (Richards 2015).